The following is an entry in ClinVar:

NM_033026.6(PCLO):c.3368G>A (p.Arg1123His)

Gene: PCLO (piccolo presynaptic cytomatrix protein; minus strand). Cytogenetic location: 7q21.11.
Variant type: single nucleotide variant.
Coding change: c.3368G>A on transcript NM_033026.6 (MANE Select); coding-DNA position 3368, G replaced by A.
Protein change: p.Arg1123His; replaces arginine 1123 with histidine.
Molecular consequence: missense variant.
Genome position (GRCh38, 1-based): chr7:82,966,420, C>T on the plus strand (G>A on the coding strand, the complement: PCLO is on the minus strand). VCF-style: chr7-82966420-C-T. GRCh37 (hg19) VCF-style: chr7-82595736-C-T.
Other names: c.3368G>A (NM_033026.5); c.3368G>A, p.Arg1123His (NM_014510.3); short protein forms R1123H.
Identifiers: ClinVar variation 1587653 (VCV001587653.35), dbSNP rs115735993, ClinGen allele CA4321051.

ClinVar aggregate classification (germline): Conflicting classifications of pathogenicity. Review status: criteria provided, conflicting classifications (1 of 4 stars). 5 submissions from 5 submitters: Uncertain significance (1); Likely benign (3). 1 of the submissions does not count toward it. Last evaluated 2026-02-04.

Conditions:
PCLO-related disorder. Also called: PCLO-related condition.
Inborn genetic diseases. Identifiers: MedGen C0950123, MeSH D030342.

Allele frequency attached by ClinVar (database versions not stated): gnomAD exomes 0.00016 and 0.00036; ExAC 0.00041; gnomAD 0.00109 and 0.00118; TOPMed 0.00133; 1000 Genomes Project 0.00140; ESP Exome Variant Server 0.00169; 1000 Genomes Project 30x 0.00203.
gnomAD v4.1: 416 of 1,612,910 alleles (0.026%); highest among the groups gnomAD compares: African/African-American, 0.4%; 2 homozygotes.

Submissions (5):

Labcorp Genetics (formerly Invitae), Labcorp
Classification: Likely benign. Last evaluated: 2026-02-04. Review status: criteria provided, single submitter. Criteria: Invitae Variant Classification Sherloc (09022015). Collection method: clinical testing. Allele origin: germline.

CeGaT Center for Human Genetics Tuebingen
Classification: Likely benign. Last evaluated: 2023-04-01. Review status: criteria provided, single submitter. Criteria: CeGaT Center For Human Genetics Tuebingen Variant Classification Criteria Version 2. Collection method: clinical testing. Allele origin: germline. Affected: yes. Observed: 1 variant allele.
Comment: PCLO: BP4

Ambry Genetics
Classification: Uncertain significance for Inborn genetic diseases. Last evaluated: 2021-10-05. Review status: criteria provided, single submitter. Criteria: Ambry Variant Classification Scheme 2023. Collection method: clinical testing. Allele origin: germline.

Breakthrough Genomics
Classification: Likely benign. Review status: criteria provided, single submitter. Criteria: ACMG Guidelines, 2015. Collection method: not provided. Allele origin: germline. Inheritance: Autosomal recessive inheritance. Affected: yes.

PreventionGenetics, part of Exact Sciences
Classification: Likely benign for PCLO-related condition. Last evaluated: 2022-06-21. Review status: no assertion criteria provided. Collection method: clinical testing. Allele origin: germline. Not counted in ClinVar's aggregate classification.
Comment: This variant is classified as likely benign based on ACMG/AMP sequence variant interpretation guidelines (Richards et al. 2015 PMID: 25741868, with internal and published modifications).